The following is an entry in ClinVar:

ClinVar aggregate classification (germline): Pathogenic (1 of 4 stars; one submission).

Conditions:
Arrhythmogenic cardiomyopathy with wooly hair and keratoderma. Also called: Dilated cardiomyopathy with woolly hair and keratoderma; Carvajal syndrome; Arrhythmogenic cardiomyopathy with woolly hair and keratoderma; PALMOPLANTAR KERATODERMA WITH LEFT VENTRICULAR CARDIOMYOPATHY AND WOOLLY HAIR. Identifiers: Orphanet 65282, MedGen C1854063, MONDO:0011581, OMIM 605676.
Arrhythmogenic right ventricular dysplasia 8 (ARVD8). Also called: Arrhythmogenic Right Ventricular Dysplasia/Cardiomyopathy 8; ARRHYTHMOGENIC RIGHT VENTRICULAR DYSPLASIA, FAMILIAL, 8; ARRHYTHMOGENIC RIGHT VENTRICULAR CARDIOMYOPATHY 8. Identifiers: MedGen C1843896, MONDO:0011831, OMIM 607450.

Submission:

Labcorp Genetics (formerly Invitae), Labcorp
Classification: Pathogenic for Arrhythmogenic cardiomyopathy with wooly hair and keratoderma; Arrhythmogenic right ventricular dysplasia 8. Last evaluated: 2024-11-24. Review status: criteria provided, single submitter. Criteria: Invitae Variant Classification Sherloc (09022015). Collection method: clinical testing. Allele origin: germline.
Comment: This sequence change creates a premature translational stop signal (p.Lys727*) in the DSP gene. It is expected to result in an absent or disrupted protein product. Loss-of-function variants in DSP are known to be pathogenic (PMID: 20716751, 24503780, 25227139). This variant is not present in population databases (gnomAD no frequency). This variant has not been reported in the literature in individuals affected with DSP-related conditions. ClinVar contains an entry for this variant (Variation ID: 2027292). For these reasons, this variant has been classified as Pathogenic.

Literature cited by the submitters: PubMed 20716751; PubMed 24503780; PubMed 25227139.

NM_004415.4(DSP):c.2179A>T (p.Lys727Ter)

Gene: DSP (desmoplakin; plus strand). Cytogenetic location: 6p24.3.
Variant type: single nucleotide variant.
Coding change: c.2179A>T on transcript NM_004415.4 (MANE Select); coding-DNA position 2179, A replaced by T.
Protein change: p.Lys727Ter; replaces lysine 727 with a stop codon.
Molecular consequence: nonsense.
Genome position (GRCh38, 1-based): chr6:7,574,134, A>T. VCF-style: chr6-7574134-A-T. GRCh37 (hg19) VCF-style: chr6-7574367-A-T.
Other names: c.2179A>T, p.Lys727Ter (NM_001008844.3, NM_001319034.2); short protein forms K727*.
Identifiers: ClinVar variation 2027292 (VCV002027292.4), dbSNP rs2533903318, ClinGen allele CA362680741.